The following is an entry in ClinVar:

ClinVar aggregate classification (germline): Uncertain significance (1 of 4 stars; one submission).

Allele frequency attached by ClinVar (database versions not stated): ExAC 0.00015; gnomAD 0.00024; TOPMed 0.00030; ESP Exome Variant Server 0.00031.
gnomAD v4.1: 499 of 1,613,858 alleles (0.031%); highest among the groups gnomAD compares: Non-Finnish European, 0.038%; no homozygotes.

Submission:

Labcorp Genetics (formerly Invitae), Labcorp
Classification: Uncertain significance. Last evaluated: 2025-06-15. Review status: criteria provided, single submitter. Criteria: Invitae Variant Classification Sherloc (09022015). Collection method: clinical testing. Allele origin: germline.
Comment: This sequence change replaces arginine, which is basic and polar, with tryptophan, which is neutral and slightly polar, at codon 1240 of the ACACA protein (p.Arg1240Trp). This variant is present in population databases (rs144494055, gnomAD 0.02%). This variant has not been reported in the literature in individuals affected with ACACA-related conditions. ClinVar contains an entry for this variant (Variation ID: 1990696). An algorithm developed to predict the effect of missense changes on protein structure and function (PolyPhen-2) suggests that this variant is likely to be disruptive. In summary, the available evidence is currently insufficient to determine the role of this variant in disease. Therefore, it has been classified as a Variant of Uncertain Significance.

NM_198834.3(ACACA):c.3829C>T (p.Arg1277Trp)

Gene: ACACA (acetyl-CoA carboxylase alpha; minus strand). Cytogenetic location: 17q12.
Variant type: single nucleotide variant.
Coding change: c.3829C>T on transcript NM_198834.3 (MANE Select); coding-DNA position 3829, C replaced by T.
Protein change: p.Arg1277Trp; replaces arginine 1277 with tryptophan.
Molecular consequence: missense variant.
Genome position (GRCh38, 1-based): chr17:37,207,679, G>A on the plus strand (C>T on the coding strand, the complement: ACACA is on the minus strand). VCF-style: chr17-37207679-G-A. GRCh37 (hg19) VCF-style: chr17-35564593-G-A.
Other names: c.3718C>T, p.Arg1240Trp (NM_198836.3, NM_198839.3); c.3544C>T, p.Arg1182Trp (NM_198837.2); c.3484C>T, p.Arg1162Trp (NM_198838.2); short protein forms R1162W, R1240W, R1277W, R1182W.
Identifiers: ClinVar variation 1990696 (VCV001990696.4), dbSNP rs144494055, ClinGen allele CA8515237.